The following is an entry in ClinVar:

NM_001184880.2(PCDH19):c.1618C>T (p.Leu540Phe)

Gene: PCDH19 (protocadherin 19; minus strand). Cytogenetic location: Xq22.1.
Variant type: single nucleotide variant.
Coding change: c.1618C>T on transcript NM_001184880.2 (MANE Select); coding-DNA position 1618, C replaced by T.
Protein change: p.Leu540Phe; replaces leucine 540 with phenylalanine.
Molecular consequence: missense variant.
Genome position (GRCh38, 1-based): chrX:100,406,980, G>A on the plus strand (C>T on the coding strand, the complement: PCDH19 is on the minus strand). VCF-style: chrX-100406980-G-A. GRCh37 (hg19) VCF-style: chrX-99661978-G-A.
Other names: p.L540F:CTT>TTT; c.1618C>T, p.Leu540Phe (NM_001105243.2, NM_020766.3); short protein forms L540F.
Identifiers: ClinVar variation 206334 (VCV000206334.17), dbSNP rs374593325, ClinGen allele CA316357.

ClinVar aggregate classification (germline): Benign/Likely benign. Review status: criteria provided, multiple submitters, no conflicts (2 of 4 stars). 4 submissions from 4 submitters: Benign (2); Likely benign (2). Last evaluated 2025-10-23.

Conditions:
Developmental and epileptic encephalopathy, 9 (DEE9). Also called: JUBERG-HELLMAN SYNDROME; EPILEPSY, FEMALE-RESTRICTED, WITH MENTAL RETARDATION; Early infantile epileptic encephalopathy 9; PCDH19-Related X-Linked Female-Limited Epilepsy with Mental Retardation. Identifiers: Orphanet 101039, Orphanet 2076, MedGen C1848137, MONDO:0010246, OMIM 300088. Disease mechanism: loss of function.

Allele frequency attached by ClinVar (database versions not stated): gnomAD below 0.00001 and 0.00024; TOPMed 0.00002; gnomAD exomes 0.00036 and 0.00067; ExAC 0.00083; 1000 Genomes Project 30x 0.00166; 1000 Genomes Project 0.00185.
gnomAD v4.1: 423 of 1,210,262 alleles (0.035%); highest among the groups gnomAD compares: South Asian, 0.63%; no homozygotes.

Submissions (4):

Labcorp Genetics (formerly Invitae), Labcorp
Classification: Benign for Developmental and epileptic encephalopathy, 9. Last evaluated: 2025-10-23. Review status: criteria provided, single submitter. Criteria: Invitae Variant Classification Sherloc (09022015). Collection method: clinical testing. Allele origin: germline.

Blueprint Genetics
Classification: Likely benign. Last evaluated: 2024-10-29. Review status: criteria provided, single submitter. Criteria: ACMG Guidelines, 2015. Collection method: clinical testing. Allele origin: germline.

GeneDx
Classification: Benign. Last evaluated: 2018-03-27. Review status: criteria provided, single submitter. Criteria: GeneDx Variant Classification Process June 2021. Collection method: clinical testing. Allele origin: germline. Affected: yes.

Center for Pediatric Genomic Medicine, Children's Mercy Hospital and Clinics
Classification: Likely benign. Last evaluated: 2017-02-09. Review status: criteria provided, single submitter. Criteria: ACMG Guidelines, 2015. Collection method: clinical testing. Allele origin: germline.
ClinVar note: Converted during submission from Likely Benign to Likely benign.